The following is an entry in ClinVar:

NM_002235.5(KCNA6):c.848C>T (p.Ser283Phe)

Genes: KCNA6 (potassium voltage-gated channel subfamily A member 6; plus strand), KCNA6-AS1 (KCNA6 antisense RNA 1; minus strand). Cytogenetic location: 12p13.32.
Variant type: single nucleotide variant.
Coding change: c.848C>T on transcript NM_002235.5 (MANE Select); coding-DNA position 848, C replaced by T.
Protein change: p.Ser283Phe; replaces serine 283 with phenylalanine.
Molecular consequence: missense variant. On other transcripts: non-coding transcript variant (3).
Genome position (GRCh38, 1-based): chr12:4,810,889, C>T. VCF-style: chr12-4810889-C-T. GRCh37 (hg19) VCF-style: chr12-4920055-C-T.
Other names: short protein forms S283F.
Identifiers: ClinVar variation 3364450 (VCV003364450.1).

ClinVar aggregate classification (germline): Uncertain significance (1 of 4 stars; one submission).

Submission:

GeneDx
Classification: Uncertain significance. Last evaluated: 2023-11-18. Review status: criteria provided, single submitter. Criteria: GeneDx Variant Classification Process June 2021. Collection method: clinical testing. Allele origin: germline. Affected: yes.
Comment: Not observed at significant frequency in large population cohorts (gnomAD); In silico analysis supports that this missense variant does not alter protein structure/function; Has not been previously published as pathogenic or benign to our knowledge